The following is an entry in ClinVar:

NM_004064.5(CDKN1B):c.446C>T (p.Ala149Val)

Gene: CDKN1B (cyclin dependent kinase inhibitor 1B; plus strand). Cytogenetic location: 12p13.1.
Variant type: single nucleotide variant.
Coding change: c.446C>T on transcript NM_004064.5 (MANE Select); coding-DNA position 446, C replaced by T.
Protein change: p.Ala149Val; replaces alanine 149 with valine.
Molecular consequence: missense variant.
Genome position (GRCh38, 1-based): chr12:12,718,285, C>T. VCF-style: chr12-12718285-C-T. GRCh37 (hg19) VCF-style: chr12-12871219-C-T.
Other names: short protein forms A149V.
Identifiers: ClinVar variation 1740818 (VCV001740818.2), dbSNP rs2136356581, ClinGen allele CA383970828.

ClinVar aggregate classification (germline): Uncertain significance (1 of 4 stars; one submission).

Conditions:
Hereditary cancer-predisposing syndrome. Also called: Hereditary Cancer Syndrome; Hereditary neoplastic syndrome; Neoplastic Syndromes, Hereditary; Tumor predisposition. Identifiers: Orphanet 140162, MedGen C0027672, MeSH D009386, MONDO:0015356.

Allele frequency attached by ClinVar (database versions not stated): gnomAD exomes below 0.00001.

Submission:

Ambry Genetics
Classification: Uncertain significance for Hereditary cancer-predisposing syndrome. Last evaluated: 2021-05-18. Review status: criteria provided, single submitter. Criteria: Ambry Variant Classification Scheme 2023. Collection method: clinical testing. Allele origin: germline.
Comment: The p.A149V variant (also known as c.446C>T), located in coding exon 1 of the CDKN1B gene, results from a C to T substitution at nucleotide position 446. The alanine at codon 149 is replaced by valine, an amino acid with similar properties. This amino acid position is not well conserved in available vertebrate species. In addition, this alteration is predicted to be tolerated by in silico analysis. Since supporting evidence is limited at this time, the clinical significance of this alteration remains unclear.